The following is an entry in ClinVar:

NM_003718.5(CDK13):c.14C>T (p.Ser5Leu)

Gene: CDK13 (cyclin dependent kinase 13; plus strand). Cytogenetic location: 7p14.1.
Variant type: single nucleotide variant.
Coding change: c.14C>T on transcript NM_003718.5 (MANE Select); coding-DNA position 14, C replaced by T.
Protein change: p.Ser5Leu; replaces serine 5 with leucine.
Molecular consequence: missense variant.
Genome position (GRCh38, 1-based): chr7:39,950,655, C>T. VCF-style: chr7-39950655-C-T. GRCh37 (hg19) VCF-style: chr7-39990254-C-T.
Other names: c.14C>T, p.Ser5Leu (NM_031267.4); short protein forms S5L.
Identifiers: ClinVar variation 3699850 (VCV003699850.2).

ClinVar aggregate classification (germline): Uncertain significance (1 of 4 stars; one submission).

gnomAD v4.1: 6 of 1,343,608 alleles (0.00045%); highest among the groups gnomAD compares: Non-Finnish European, 0.00057%; no homozygotes.

Submission:

Labcorp Genetics (formerly Invitae), Labcorp
Classification: Uncertain significance. Last evaluated: 2024-02-10. Review status: criteria provided, single submitter. Criteria: Invitae Variant Classification Sherloc (09022015). Collection method: clinical testing. Allele origin: germline.
Comment: This sequence change replaces serine, which is neutral and polar, with leucine, which is neutral and non-polar, at codon 5 of the CDK13 protein (p.Ser5Leu). This variant is not present in population databases (gnomAD no frequency). This variant has not been reported in the literature in individuals affected with CDK13-related conditions. Advanced modeling of protein sequence and biophysical properties (such as structural, functional, and spatial information, amino acid conservation, physicochemical variation, residue mobility, and thermodynamic stability) performed at Invitae indicates that this missense variant is not expected to disrupt CDK13 protein function with a negative predictive value of 95%. In summary, the available evidence is currently insufficient to determine the role of this variant in disease. Therefore, it has been classified as a Variant of Uncertain Significance.